The following is an entry in ClinVar:

ClinVar aggregate classification (germline): Uncertain significance (1 of 4 stars; one submission).

Conditions:
Primary ciliary dyskinesia. Also called: Ciliary dyskinesia. Identifiers: Orphanet 244, MedGen C0008780, MONDO:0016575, HP:0012265.

Allele frequency attached by ClinVar (database versions not stated): TOPMed below 0.00001.

Submission:

Labcorp Genetics (formerly Invitae), Labcorp
Classification: Uncertain significance for Primary ciliary dyskinesia. Last evaluated: 2022-02-10. Review status: criteria provided, single submitter. Criteria: Invitae Variant Classification Sherloc (09022015). Collection method: clinical testing. Allele origin: germline.
Comment: This sequence change replaces arginine, which is basic and polar, with isoleucine, which is neutral and non-polar, at codon 180 of the CCDC39 protein (p.Arg180Ile). This variant is not present in population databases (gnomAD no frequency). This variant has not been reported in the literature in individuals affected with CCDC39-related conditions. Algorithms developed to predict the effect of missense changes on protein structure and function are either unavailable or do not agree on the potential impact of this missense change (SIFT: "Tolerated"; PolyPhen-2: "Possibly Damaging"; Align-GVGD: "Class C0"). In summary, the available evidence is currently insufficient to determine the role of this variant in disease. Therefore, it has been classified as a Variant of Uncertain Significance.

NM_181426.2(CCDC39):c.539G>T (p.Arg180Ile)

Gene: CCDC39 (coiled-coil domain 39 molecular ruler complex subunit; minus strand). Cytogenetic location: 3q26.33.
Variant type: single nucleotide variant.
Coding change: c.539G>T on transcript NM_181426.2 (MANE Select); coding-DNA position 539, G replaced by T.
Protein change: p.Arg180Ile; replaces arginine 180 with isoleucine.
Molecular consequence: missense variant.
Genome position (GRCh38, 1-based): chr3:180,659,747, C>A on the plus strand (G>T on the coding strand, the complement: CCDC39 is on the minus strand). VCF-style: chr3-180659747-C-A. GRCh37 (hg19) VCF-style: chr3-180377535-C-A.
Other names: short protein forms R180I.
Identifiers: ClinVar variation 2173101 (VCV002173101.1), dbSNP rs1711695591, ClinGen allele CA355302828.